The following is an entry in ClinVar:

ClinVar aggregate classification (germline): Conflicting classifications of pathogenicity. Review status: criteria provided, conflicting classifications (1 of 4 stars). 2 submissions from 2 submitters: Uncertain significance (1); Likely benign (1). Last evaluated 2025-11-21.

Allele frequency attached by ClinVar (database versions not stated): gnomAD 0.00001; gnomAD exomes 0.00001; TOPMed 0.00001.
gnomAD v4.1: 14 of 1,613,896 alleles (0.00087%); highest among the groups gnomAD compares: Non-Finnish European, 0.0012%; no homozygotes.

Submissions (2):

Labcorp Genetics (formerly Invitae), Labcorp
Classification: Uncertain significance. Last evaluated: 2025-11-21. Review status: criteria provided, single submitter. Criteria: Invitae Variant Classification Sherloc (09022015). Collection method: clinical testing. Allele origin: germline.
Comment: This sequence change replaces threonine, which is neutral and polar, with isoleucine, which is neutral and non-polar, at codon 1879 of the ALPK3 protein (p.Thr1879Ile). This variant is present in population databases (no rsID available, gnomAD 0.003%). This variant has not been reported in the literature in individuals affected with ALPK3-related conditions. ClinVar contains an entry for this variant (Variation ID: 1365465). Invitae Evidence Modeling of protein sequence and biophysical properties (such as structural, functional, and spatial information, amino acid conservation, physicochemical variation, residue mobility, and thermodynamic stability) indicates that this missense variant is expected to disrupt ALPK3 protein function with a positive predictive value of 80%. In summary, the available evidence is currently insufficient to determine the role of this variant in disease. Therefore, it has been classified as a Variant of Uncertain Significance.

Blueprint Genetics
Classification: Likely benign. Last evaluated: 2021-11-09. Review status: criteria provided, single submitter. Criteria: ACMG Guidelines, 2015. Collection method: clinical testing. Allele origin: germline.

NM_020778.5(ALPK3):c.5030C>T (p.Thr1677Ile)

Gene: ALPK3 (alpha kinase 3; plus strand). Cytogenetic location: 15q25.3.
Variant type: single nucleotide variant.
Coding change: c.5030C>T on transcript NM_020778.5 (MANE Select); coding-DNA position 5030, C replaced by T.
Protein change: p.Thr1677Ile; replaces threonine 1677 with isoleucine.
Molecular consequence: missense variant.
Genome position (GRCh38, 1-based): chr15:84,868,368, C>T. VCF-style: chr15-84868368-C-T. GRCh37 (hg19) VCF-style: chr15-85411599-C-T.
Other names: short protein forms T1677I.
Identifiers: ClinVar variation 1365465 (VCV001365465.7), dbSNP rs900944921, ClinGen allele CA273635735.
Genomic context (GRCh38, chr15:84,868,368, plus strand): 5'-AGAAGAAAGGCCTCCCTAGTCCTCAGGGCACCCGGAAGAGTGCTCCAAGTTCCAAGGCCA[C>T]CCCTCAGGCCTCAGAGCCAGTCACCACTCAGTTGTTGGGACAGCCTCCCACCCAAGAGGA-3'
Protein context (NP_065829.4, residues 1667-1687): TRKSAPSSKA[Thr1677Ile]PQASEPVTTQ